The following is an entry in ClinVar:

ClinVar aggregate classification (germline): Uncertain significance (1 of 4 stars; one submission).

Submission:

Genetic Services Laboratory, University of Chicago
Classification: Uncertain significance. Last evaluated: 2021-11-02. Review status: criteria provided, single submitter. Criteria: ACMG Guidelines, 2015. Collection method: clinical testing. Allele origin: germline. Affected: no.
Comment: DNA sequence analysis of the FAT2 gene demonstrated a sequence change, c.8257A>G, in exon 9 that results in an amino acid change, p.Lys2753Glu. This sequence change does not appear to have been previously described in individuals with FAT2-related disorders and has also not been described in the population databases such as ExAC and gnomAD. The p.Lys2753Glu change affects a highly conserved amino acid residue located in a domain of the FAT2 protein that is known to be functional. In-silico pathogenicity prediction tools (SIFT, PolyPhen2, Align GVGD, REVEL) provide contradictory results for the p.Lys2753Glu substitution. Due to insufficient evidences and the lack of functional studies, the clinical significance of the p.Lys2753Glu change remains unknown at this time.

NM_001447.3(FAT2):c.8257A>G (p.Lys2753Glu)

Genes: FAT2 (FAT atypical cadherin 2; minus strand), SLC36A1 (solute carrier family 36 member 1; plus strand). Cytogenetic location: 5q33.1.
Variant type: single nucleotide variant.
Coding change: c.8257A>G on transcript NM_001447.3 (MANE Select); coding-DNA position 8257, A replaced by G.
Protein change: p.Lys2753Glu; replaces lysine 2753 with glutamic acid.
Molecular consequence: missense variant.
Genome position (GRCh38, 1-based): chr5:151,542,870, T>C on the plus strand (A>G on the coding strand, the complement: FAT2 is on the minus strand). VCF-style: chr5-151542870-T-C. GRCh37 (hg19) VCF-style: chr5-150922431-T-C.
Other names: short protein forms K2753E.
Identifiers: ClinVar variation 1334815 (VCV001334815.4), dbSNP rs2127606295, ClinGen allele CA361832324.